The following is an entry in ClinVar:

NM_152713.5(STT3A):c.1213C>G (p.Arg405Gly)

Gene: STT3A (STT3 oligosaccharyltransferase complex catalytic subunit A; plus strand). Cytogenetic location: 11q24.2.
Variant type: single nucleotide variant.
Coding change: c.1213C>G on transcript NM_152713.5 (MANE Select); coding-DNA position 1213, C replaced by G.
Protein change: p.Arg405Gly; replaces arginine 405 with glycine.
Molecular consequence: missense variant.
Genome position (GRCh38, 1-based): chr11:125,612,595, C>G. VCF-style: chr11-125612595-C-G. GRCh37 (hg19) VCF-style: chr11-125482490-C-G.
Other names: c.1213C>G, p.Arg405Gly (NM_001278503.2); c.937C>G, p.Arg313Gly (NM_001278504.2); short protein forms R313G, R405G.
Identifiers: ClinVar variation 4853888 (VCV004853888.1).

ClinVar aggregate classification (germline): Uncertain significance (1 of 4 stars; one submission).

Conditions:
Congenital disorder of glycosylation, type Iw, autosomal dominant (CDG1WAD). Identifiers: MedGen C5562068, MONDO:0859223, OMIM 619714.

Submission:

3billion
Classification: Uncertain significance for Congenital disorder of glycosylation, type Iw, autosomal dominant. Last evaluated: 2025-11-23. Review status: criteria provided, single submitter. Criteria: ACMG Guidelines, 2015. Collection method: clinical testing. Allele origin: germline. Affected: yes.
Comment: The variant is not observed in the gnomAD v4.1.0 dataset. Predicted Consequence/Location: Missense variant In silico tool predictions suggest damaging effect of the variant on gene or gene product [REVEL: 0.98 (>=0.6, sensitivity 0.68 and specificity 0.92); 3Cnet: 0.99 (> 0.75, sensitivity 0.96 and precision 0.92)]. Different missense changes at the same codon (p.Arg405Cys, p.Arg405His, p.Arg405Ser) have been reported as pathogenic/likely pathogenic with strong evidence (ClinVar ID: VCV001334780, VCV001334781, VCV002431752 /PMID: 34653363). Therefore, this variant is classified as VUS according to the recommendation of ACMG/AMP guideline.

Literature cited by the submitters: PubMed 34653363.